The following is an entry in ClinVar:

ClinVar aggregate classification (germline): Uncertain significance. Review status: criteria provided, multiple submitters, no conflicts (2 of 4 stars). 2 submissions from 2 submitters: Uncertain significance (2). Last evaluated 2023-05-25.

Conditions:
Charcot-Marie-Tooth disease type 2. Also called: Charcot-Marie-Tooth type 2. Identifiers: Orphanet 64746, MedGen C0270914, MONDO:0018993.

Allele frequency attached by ClinVar (database versions not stated): gnomAD exomes below 0.00001.
gnomAD v4.1: 3 of 1,614,068 alleles (0.00019%); highest among the groups gnomAD compares: Non-Finnish European, 0.00025%; no homozygotes.

Submissions (2):

Blueprint Genetics
Classification: Uncertain significance. Last evaluated: 2023-05-25. Review status: criteria provided, single submitter. Criteria: ACMG Guidelines, 2015. Collection method: clinical testing. Allele origin: germline.

Labcorp Genetics (formerly Invitae), Labcorp
Classification: Uncertain significance for Charcot-Marie-Tooth disease type 2. Last evaluated: 2020-10-13. Review status: criteria provided, single submitter. Criteria: Invitae Variant Classification Sherloc (09022015). Collection method: clinical testing. Allele origin: germline.
Comment: This variant is not present in population databases (ExAC no frequency). This sequence change replaces threonine with methionine at codon 423 of the MFN2 protein (p.Thr423Met). The threonine residue is highly conserved and there is a moderate physicochemical difference between threonine and methionine. This variant has not been reported in the literature in individuals with MFN2-related conditions. ClinVar contains an entry for this variant (Variation ID: 221059). Algorithms developed to predict the effect of missense changes on protein structure and function are either unavailable or do not agree on the potential impact of this missense change (SIFT: "Deleterious"; PolyPhen-2: "Possibly Damaging"; Align-GVGD: "Class C15"). In summary, the available evidence is currently insufficient to determine the role of this variant in disease. Therefore, it has been classified as a Variant of Uncertain Significance.

NM_014874.4(MFN2):c.1268C>T (p.Thr423Met)

Gene: MFN2 (mitofusin 2; plus strand). Cytogenetic location: 1p36.22.
Variant type: single nucleotide variant.
Coding change: c.1268C>T on transcript NM_014874.4 (MANE Select); coding-DNA position 1268, C replaced by T.
Protein change: p.Thr423Met; replaces threonine 423 with methionine.
Molecular consequence: missense variant.
Genome position (GRCh38, 1-based): chr1:12,004,099, C>T. VCF-style: chr1-12004099-C-T. GRCh37 (hg19) VCF-style: chr1-12064156-C-T.
Other names: c.1268C>T, p.Thr423Met (NM_001127660.2); short protein forms T423M.
Identifiers: ClinVar variation 221059 (VCV000221059.9), dbSNP rs8192303, ClinGen allele CA350156.
Genomic context (GRCh38, chr1:12,004,099, plus strand): 5'-TTATTGACAAACAGCTGGAGCTCTTGGCTCAAGACTATAAGCTGCGAATTAAGCAGATTA[C>T]GGAGGAAGTGGAGAGGCAGGTGAGAAATGAGGAGGAGGCATTCTGGGAAGATTTGGACTC-3'
Protein context (NP_055689.1, residues 413-433): QDYKLRIKQI[Thr423Met]EEVERQVSTA